The following is an entry in ClinVar:

ClinVar aggregate classification (germline): Uncertain significance. Review status: criteria provided, multiple submitters, no conflicts (2 of 4 stars). 6 submissions from 6 submitters: Uncertain significance (6). Last evaluated 2025-12-09.

Conditions:
SCN4A-related disorder. Also called: SCN4A-related disorders.
Inborn genetic diseases. Identifiers: MedGen C0950123, MeSH D030342.
Potassium-aggravated myotonia. Also called: Myotonia congenita, atypical, acetazolamide-responsive; MYOTONIA CONGENITA, ACETAZOLAMIDE-RESPONSIVE; MYOTONIA CONGENITA, ATYPICAL; SODIUM CHANNEL MUSCLE DISEASE. Identifiers: Orphanet 612, Orphanet 99734, Orphanet 99735, Orphanet 99736, MedGen C2931826, MONDO:0018959, OMIM 608390.
Congenital myasthenic syndrome 16. Identifiers: Orphanet 590, MedGen C3280112, MONDO:0013620, OMIM 614198.
Paramyotonia congenita of Von Eulenburg. Also called: Paramyotonia Congenita; PARALYSIS PERIODICA PARAMYOTONICA; Eulenburg disease; Myotonia congenita intermittens; Von Eulenburg paramyotonia congenita. Identifiers: Orphanet 684, MedGen C0221055, MONDO:0008195, OMIM 168300. Disease mechanism: loss of function.
Hypokalemic periodic paralysis, type 2 (HOKPP2). Identifiers: Orphanet 681, MedGen C2750061, MONDO:0013234, OMIM 613345.
Congenital myopathy 22A, classic (CMYO22A). Identifiers: MedGen C5830453, MONDO:0957247, OMIM 620351.
Congenital myopathy 22B, severe fetal (CMYO22B). Identifiers: MedGen C5830501, MONDO:0957265, OMIM 620369.
Hyperkalemic periodic paralysis. Also called: Familial hyperkalemic periodic paralysis; Gamstorp disease. Identifiers: Orphanet 682, MedGen C0238357, MONDO:0008224, OMIM 170500, HP:0007215.

Allele frequency attached by ClinVar (database versions not stated): gnomAD exomes 0.00002 and 0.00001; gnomAD 0.00001; TOPMed 0.00002.
gnomAD v4.1: 14 of 1,613,814 alleles (0.00087%); highest among the groups gnomAD compares: Admixed American, 0.015%; no homozygotes.

Submissions (6):

PreventionGenetics, part of Exact Sciences
Classification: Uncertain significance for SCN4A-related condition. Last evaluated: 2025-12-09. Review status: criteria provided, single submitter. Criteria: ACMG Guidelines, 2015. Collection method: clinical testing. Allele origin: germline.
Comment: The SCN4A c.4882G>A variant is predicted to result in the amino acid substitution p.Asp1628Asn. To our knowledge, this variant has not been reported in the literature. This variant is reported in 0.0087% of alleles in individuals of Latino descent in gnomAD. At this time, the clinical significance of this variant is uncertain due to the absence of conclusive functional and genetic evidence.

Labcorp Genetics (formerly Invitae), Labcorp
Classification: Uncertain significance for Hyperkalemic periodic paralysis. Last evaluated: 2025-11-14. Review status: criteria provided, single submitter. Criteria: Invitae Variant Classification Sherloc (09022015). Collection method: clinical testing. Allele origin: germline.
Comment: This sequence change replaces aspartic acid, which is acidic and polar, with asparagine, which is neutral and polar, at codon 1628 of the SCN4A protein (p.Asp1628Asn). This variant is present in population databases (no rsID available, gnomAD 0.009%). This variant has not been reported in the literature in individuals affected with SCN4A-related conditions. ClinVar contains an entry for this variant (Variation ID: 1027155). Invitae Evidence Modeling of protein sequence and biophysical properties (such as structural, functional, and spatial information, amino acid conservation, physicochemical variation, residue mobility, and thermodynamic stability) indicates that this missense variant is expected to disrupt SCN4A protein function with a positive predictive value of 95%. In summary, the available evidence is currently insufficient to determine the role of this variant in disease. Therefore, it has been classified as a Variant of Uncertain Significance.

CeGaT Center for Human Genetics Tuebingen
Classification: Uncertain significance. Last evaluated: 2025-08-01. Review status: criteria provided, single submitter. Criteria: CeGaT Center For Human Genetics Tuebingen Variant Classification Criteria Version 2. Collection method: clinical testing. Allele origin: germline. Affected: yes. Observed: 1 variant allele.

Ambry Genetics
Classification: Uncertain significance for Inborn genetic diseases. Last evaluated: 2025-06-16. Review status: criteria provided, single submitter. Criteria: Ambry Variant Classification Scheme 2023. Collection method: clinical testing. Allele origin: germline.

Fulgent Genetics
Classification: Uncertain significance for Paramyotonia congenita of Von Eulenburg; Hyperkalemic periodic paralysis; Potassium-aggravated myotonia; Hypokalemic periodic paralysis, type 2; Congenital myasthenic syndrome 16; Congenital myopathy 22A, classic; Congenital myopathy 22B, severe fetal. Last evaluated: 2024-01-30. Review status: criteria provided, single submitter. Criteria: ACMG Guidelines, 2015. Collection method: clinical testing. Allele origin: germline.

Blueprint Genetics
Classification: Uncertain significance. Last evaluated: 2023-06-07. Review status: criteria provided, single submitter. Criteria: ACMG Guidelines, 2015. Collection method: clinical testing. Allele origin: germline.

NM_000334.4(SCN4A):c.4882G>A (p.Asp1628Asn)

Genes: GH-LCR (growth hormone locus control region; plus strand), SCN4A (sodium voltage-gated channel alpha subunit 4; minus strand). Cytogenetic location: 17q23.3.
Variant type: single nucleotide variant.
Coding change: c.4882G>A on transcript NM_000334.4 (MANE Select); coding-DNA position 4882, G replaced by A.
Protein change: p.Asp1628Asn; replaces aspartic acid 1628 with asparagine.
Molecular consequence: missense variant.
Genome position (GRCh38, 1-based): chr17:63,941,400, C>T on the plus strand (G>A on the coding strand, the complement: SCN4A is on the minus strand). VCF-style: chr17-63941400-C-T. GRCh37 (hg19) VCF-style: chr17-62018760-C-T.
Other names: short protein forms D1628N.
Identifiers: ClinVar variation 1027155 (VCV001027155.23), dbSNP rs1004398583, ClinGen allele CA292956819.